The following is an entry in ClinVar:

ClinVar aggregate classification (germline): Uncertain significance. Review status: criteria provided, multiple submitters, no conflicts (2 of 4 stars). 3 submissions from 3 submitters: Uncertain significance (3). Last evaluated 2025-12-15.

Conditions:
Osteofibrous dysplasia (OSFD). Also called: Tibia, bowing of, with pseudarthrosis and pectus excavatum. Identifiers: Orphanet 488265, MedGen C4085248, MONDO:0011806, OMIM 607278.
Papillary renal cell carcinoma type 1 (RCCP1). Also called: Renal adenocarcinoma; Renal cell carcinoma 1; Renal cell carcinoma, somatic; RENAL CELL CARCINOMA, PAPILLARY, 1, SOMATIC. Identifiers: Orphanet 47044, MedGen C1336839, OMIM 605074, HP:0011797.
Autosomal recessive nonsyndromic hearing loss 97. Also called: Deafness, autosomal recessive 97. Identifiers: Orphanet 90636, MedGen C4084709, MONDO:0014739, OMIM 616705.
Hepatocellular carcinoma (HCC). Also called: HEPATOMA; LIVER CELL CARCINOMA; Primary carcinoma of liver. Identifiers: Orphanet 88673, MedGen C2239176, MONDO:0007256, OMIM 114550, HP:0001402.
Arthrogryposis, distal, IIa 11. Also called: Arthrogryposis, distal, type 11. Identifiers: MedGen C5774205, MONDO:0031045, OMIM 620019.
Renal cell carcinoma. Identifiers: Orphanet 217071, MedGen C0007134, MeSH D002292, MONDO:0005086, HP:0005584.
Hereditary cancer-predisposing syndrome. Also called: Neoplastic Syndromes, Hereditary; Hereditary Cancer Syndrome; Tumor predisposition; Hereditary neoplastic syndrome. Identifiers: Orphanet 140162, MedGen C0027672, MeSH D009386, MONDO:0015356.

Allele frequency attached by ClinVar (database versions not stated): ExAC 0.00001; gnomAD exomes 0.00001; TOPMed 0.00001.
gnomAD v4.1: 10 of 1,614,026 alleles (0.00062%); highest among the groups gnomAD compares: Non-Finnish European, 0.00076%; no homozygotes.

Submissions (3):

Labcorp Genetics (formerly Invitae), Labcorp
Classification: Uncertain significance for Renal cell carcinoma. Last evaluated: 2025-12-15. Review status: criteria provided, single submitter. Criteria: Invitae Variant Classification Sherloc (09022015). Collection method: clinical testing. Allele origin: germline.
Comment: This sequence change replaces cysteine, which is neutral and slightly polar, with tyrosine, which is neutral and polar, at codon 1379 of the MET protein (p.Cys1379Tyr). This variant is present in population databases (rs766190061, gnomAD 0.004%). This variant has not been reported in the literature in individuals affected with MET-related conditions. ClinVar contains an entry for this variant (Variation ID: 582596). An algorithm developed to predict the effect of missense changes on protein structure and function (PolyPhen-2) suggests that this variant is likely to be disruptive. In summary, the available evidence is currently insufficient to determine the role of this variant in disease. Therefore, it has been classified as a Variant of Uncertain Significance.

Ambry Genetics
Classification: Uncertain significance for Hereditary cancer-predisposing syndrome. Last evaluated: 2025-04-29. Review status: criteria provided, single submitter. Criteria: Ambry Variant Classification Scheme 2023. Collection method: clinical testing. Allele origin: germline.
Comment: The p.C1379Y variant (also known as c.4136G>A), located in coding exon 20 of the MET gene, results from a G to A substitution at nucleotide position 4136. The cysteine at codon 1379 is replaced by tyrosine, an amino acid with highly dissimilar properties. This amino acid position is not well conserved in available vertebrate species. In addition, the in silico prediction for this alteration is inconclusive. Based on the available evidence, the clinical significance of this variant remains unclear.

Fulgent Genetics
Classification: Uncertain significance for Hepatocellular carcinoma; Papillary renal cell carcinoma type 1; Osteofibrous dysplasia; Autosomal recessive nonsyndromic hearing loss 97; Arthrogryposis, distal, IIa 11. Last evaluated: 2024-06-16. Review status: criteria provided, single submitter. Criteria: ACMG Guidelines, 2015. Collection method: clinical testing. Allele origin: germline.

NM_000245.4(MET):c.4082G>A (p.Cys1361Tyr)

Gene: MET (MET proto-oncogene, receptor tyrosine kinase; plus strand). Cytogenetic location: 7q31.2.
Variant type: single nucleotide variant.
Coding change: c.4082G>A on transcript NM_000245.4 (MANE Select); coding-DNA position 4082, G replaced by A.
Protein change: p.Cys1361Tyr; replaces cysteine 1361 with tyrosine.
Molecular consequence: missense variant.
Genome position (GRCh38, 1-based): chr7:116,796,033, G>A. VCF-style: chr7-116796033-G-A. GRCh37 (hg19) VCF-style: chr7-116436087-G-A.
Other names: c.4136G>A (LRG_662t1); c.4136G>A, p.Cys1379Tyr (NM_001127500.3); c.2792G>A, p.Cys931Tyr (NM_001324402.2); short protein forms C1379Y, C931Y, C1361Y.
Identifiers: ClinVar variation 582596 (VCV000582596.17), dbSNP rs766190061, ClinGen allele CA4448824.